The following is an entry in ClinVar:

NM_001199138.2(NLRC4):c.235C>T (p.Pro79Ser)

Gene: NLRC4 (NLR family CARD domain containing 4; minus strand). Cytogenetic location: 2p22.3.
Variant type: single nucleotide variant.
Coding change: c.235C>T on transcript NM_001199138.2 (MANE Select); coding-DNA position 235, C replaced by T.
Protein change: p.Pro79Ser; replaces proline 79 with serine.
Molecular consequence: missense variant.
Genome position (GRCh38, 1-based): chr2:32,252,446, G>A on the plus strand (C>T on the coding strand, the complement: NLRC4 is on the minus strand). VCF-style: chr2-32252446-G-A. GRCh37 (hg19) VCF-style: chr2-32477515-G-A.
Other names: c.235C>T, p.Pro79Ser (NM_001199139.2, NM_001302504.2, NM_021209.5); short protein forms P79S.
Identifiers: ClinVar variation 3749569 (VCV003749569.2).

ClinVar aggregate classification (germline): Uncertain significance (1 of 4 stars; one submission).

Conditions:
Periodic fever-infantile enterocolitis-autoinflammatory syndrome. Also called: Autoinflammation with infantile enterocolitis. Identifiers: Orphanet 436166, MedGen C4015067, MONDO:0014472, OMIM 616050.
Familial cold autoinflammatory syndrome 4 (FCAS4). Identifiers: Orphanet 47045, Orphanet 576349, MedGen C4015276, MONDO:0014498, OMIM 616115.

Submission:

Labcorp Genetics (formerly Invitae), Labcorp
Classification: Uncertain significance for Periodic fever-infantile enterocolitis-autoinflammatory syndrome; Familial cold autoinflammatory syndrome 4. Last evaluated: 2024-08-21. Review status: criteria provided, single submitter. Criteria: Invitae Variant Classification Sherloc (09022015). Collection method: clinical testing. Allele origin: germline.
Comment: This sequence change replaces proline, which is neutral and non-polar, with serine, which is neutral and polar, at codon 79 of the NLRC4 protein (p.Pro79Ser). This variant is not present in population databases (gnomAD no frequency). This variant has not been reported in the literature in individuals affected with NLRC4-related conditions. Invitae Evidence Modeling of protein sequence and biophysical properties (such as structural, functional, and spatial information, amino acid conservation, physicochemical variation, residue mobility, and thermodynamic stability) indicates that this missense variant is not expected to disrupt NLRC4 protein function with a negative predictive value of 80%. In summary, the available evidence is currently insufficient to determine the role of this variant in disease. Therefore, it has been classified as a Variant of Uncertain Significance.